The following is an entry in ClinVar:

ClinVar aggregate classification (germline): Uncertain significance (1 of 4 stars; one submission).

Conditions:
Werner syndrome (WRN). Identifiers: Orphanet 902, MedGen C0043119, MONDO:0010196, OMIM 277700.

Submission:

Labcorp Genetics (formerly Invitae), Labcorp
Classification: Uncertain significance for Werner syndrome. Last evaluated: 2023-03-31. Review status: criteria provided, single submitter. Criteria: Invitae Variant Classification Sherloc (09022015). Collection method: clinical testing. Allele origin: germline.
Comment: This sequence change replaces cysteine, which is neutral and slightly polar, with arginine, which is basic and polar, at codon 171 of the WRN protein (p.Cys171Arg). This variant is not present in population databases (gnomAD no frequency). This variant has not been reported in the literature in individuals affected with WRN-related conditions. An algorithm developed to predict the effect of missense changes on protein structure and function (PolyPhen-2) suggests that this variant is likely to be disruptive. In summary, the available evidence is currently insufficient to determine the role of this variant in disease. Therefore, it has been classified as a Variant of Uncertain Significance.

NM_000553.6(WRN):c.511T>C (p.Cys171Arg)

Gene: WRN (WRN RecQ like helicase; plus strand). Cytogenetic location: 8p12.
Variant type: single nucleotide variant.
Coding change: c.511T>C on transcript NM_000553.6 (MANE Select); coding-DNA position 511, T replaced by C.
Protein change: p.Cys171Arg; replaces cysteine 171 with arginine.
Molecular consequence: missense variant.
Genome position (GRCh38, 1-based): chr8:31,067,039, T>C. VCF-style: chr8-31067039-T-C. GRCh37 (hg19) VCF-style: chr8-30924555-T-C.
Other names: short protein forms C171R.
Identifiers: ClinVar variation 2851106 (VCV002851106.3), dbSNP rs1812732898, ClinGen allele CA370915827.